The following is an entry in ClinVar:

NM_014797.3(ZBTB24):c.1235A>G (p.His412Arg)

Gene: ZBTB24 (zinc finger and BTB domain containing 24; minus strand). Cytogenetic location: 6q21.
Variant type: single nucleotide variant.
Coding change: c.1235A>G on transcript NM_014797.3 (MANE Select); coding-DNA position 1235, A replaced by G.
Protein change: p.His412Arg; replaces histidine 412 with arginine.
Molecular consequence: missense variant.
Genome position (GRCh38, 1-based): chr6:109,475,452, T>C on the plus strand (A>G on the coding strand, the complement: ZBTB24 is on the minus strand). VCF-style: chr6-109475452-T-C. GRCh37 (hg19) VCF-style: chr6-109796655-T-C.
Other names: short protein forms H412R.
Identifiers: ClinVar variation 1331444 (VCV001331444.5), dbSNP rs548726702, ClinGen allele CA3954129.
Genomic context (GRCh38, chr6:109,475,452, plus strand): 5'-GTTTTACCTGTGTGTGTTCGCAGATGTTTCTTTAGCTGAGACACATCCATGAATTTGCGA[T>C]GGCAGTCTTTGCATTCCGGTAATGAGTGGCCTTGTCGCAACAATAAAAAAAGTGTCAGTG-3'
Protein context (NP_055612.2, residues 402-422): GHSLPECKDC[His412Arg]RKFMDVSQLK

ClinVar aggregate classification (germline): Uncertain significance. Review status: criteria provided, multiple submitters, no conflicts (2 of 4 stars). 3 submissions from 3 submitters: Uncertain significance (3). Last evaluated 2025-05-26.

Conditions:
Immunodeficiency-centromeric instability-facial anomalies syndrome 2 (ICF2). Identifiers: Orphanet 2268, MedGen C3279748, MONDO:0013553, OMIM 614069.
Inborn genetic diseases. Identifiers: MedGen C0950123, MeSH D030342.

Allele frequency attached by ClinVar (database versions not stated): gnomAD exomes 0.00002; TOPMed 0.00002; gnomAD 0.00003.
gnomAD v4.1: 16 of 1,614,238 alleles (0.00099%); highest among the groups gnomAD compares: East Asian, 0.011%; no homozygotes.

Submissions (3):

Ambry Genetics
Classification: Uncertain significance for Inborn genetic diseases. Last evaluated: 2025-05-26. Review status: criteria provided, single submitter. Criteria: Ambry Variant Classification Scheme 2023. Collection method: clinical testing. Allele origin: germline.

Labcorp Genetics (formerly Invitae), Labcorp
Classification: Uncertain significance for Immunodeficiency-centromeric instability-facial anomalies syndrome 2. Last evaluated: 2022-07-12. Review status: criteria provided, single submitter. Criteria: Invitae Variant Classification Sherloc (09022015). Collection method: clinical testing. Allele origin: germline.
Comment: This sequence change replaces histidine with arginine at codon 412 of the ZBTB24 protein (p.His412Arg). The histidine residue is highly conserved and there is a small physicochemical difference between histidine and arginine. This variant is present in population databases (rs548726702, gnomAD 0.01%). This variant has not been reported in the literature in individuals affected with ZBTB24-related conditions. ClinVar contains an entry for this variant (Variation ID: 1331444). Algorithms developed to predict the effect of missense changes on protein structure and function output the following: SIFT: "Not Available"; PolyPhen-2: "Benign"; Align-GVGD: "Not Available". The arginine amino acid residue is found in multiple mammalian species, which suggests that this missense change does not adversely affect protein function. In summary, the available evidence is currently insufficient to determine the role of this variant in disease. Therefore, it has been classified as a Variant of Uncertain Significance.

Women's Health and Genetics/Laboratory Corporation of America, LabCorp
Classification: Uncertain significance. Last evaluated: 2021-12-17. Review status: criteria provided, single submitter. Criteria: LabCorp Variant Classification Summary - May 2015. Collection method: clinical testing. Allele origin: germline.